The following is an entry in ClinVar:

ClinVar aggregate classification (germline): Likely benign. Review status: criteria provided, single submitter (1 of 4 stars). 2 submissions from 1 submitter: Likely benign (2). Last evaluated 2018-01-12.

Conditions:
Cataract 38. Also called: Cataract, autosomal recessive congenital 5; Cataract 38, autosomal recessive. Identifiers: Orphanet 91492, MedGen C3553494, MONDO:0013859, OMIM 614691.
Sengers syndrome. Also called: MITOCHONDRIAL DNA DEPLETION SYNDROME 10 (CARDIOMYOPATHIC TYPE); Cardiomyopathy and cataract. Identifiers: Orphanet 1369, MedGen C1859317, MONDO:0008922, OMIM 212350.

Allele frequency attached by ClinVar (database versions not stated): gnomAD 0.00001 and 0.00030; TOPMed 0.00006; gnomAD exomes 0.00069; 1000 Genomes Project 30x 0.00219; 1000 Genomes Project 0.00260.
gnomAD v4.1: 1,065 of 1,600,240 alleles (0.067%); highest among the groups gnomAD compares: South Asian, 1.1%; 15 homozygotes.

Submissions (2):

Illumina Laboratory Services, Illumina
Classification: Likely benign for Sengers syndrome. Last evaluated: 2018-01-12. Review status: criteria provided, single submitter. Criteria: ICSL Variant Classification Criteria 13 December 2019. Collection method: clinical testing. Allele origin: germline.
Comment: This variant was observed in the ICSL laboratory as part of a predisposition screen in an ostensibly healthy population. It had not been previously curated by ICSL or reported in the Human Gene Mutation Database (HGMD: prior to June 1st, 2018), and was therefore a candidate for classification through an automated scoring system. Utilizing variant allele frequency, disease prevalence and penetrance estimates, and inheritance mode, an automated score was calculated to assess if this variant is too frequent to cause the disease. Based on the score and internal cut-off values, a variant classified as likely benign is not then subjected to further curation. The score for this variant resulted in a classification of likely benign for this disease.

Illumina Laboratory Services, Illumina
Classification: Likely benign for Cataract 38. Last evaluated: 2018-01-12. Review status: criteria provided, single submitter. Criteria: ICSL Variant Classification Criteria 13 December 2019. Collection method: clinical testing. Allele origin: germline.
Comment: the same text as in the submission from Illumina Laboratory Services, Illumina above.

NM_018238.4(AGK):c.*58G>A

Gene: AGK (acylglycerol kinase; plus strand). Cytogenetic location: 7q34.
Variant type: single nucleotide variant.
Coding change: c.*58G>A on transcript NM_018238.4 (MANE Select); 58 bases downstream of the stop codon, G replaced by A.
Molecular consequence: 3 prime UTR variant.
Genome position (GRCh38, 1-based): chr7:141,652,982, G>A. VCF-style: chr7-141652982-G-A. GRCh37 (hg19) VCF-style: chr7-141352782-G-A.
Identifiers: ClinVar variation 909035 (VCV000909035.4), dbSNP rs562245960, ClinGen allele CA168066107.
Genomic context (GRCh38, chr7:141,652,982, plus strand): 5'-TGAGCAGCAGAAGACAAGCACTCTGAGACCACACTTTAGGCCACCGGTGGGACCAAAAGG[G>A]AACAGGTGCCTCAGCCATCCCAACAGTGTCGTCAGAGGGTCCCCAGGGCATTTTCATGGC-3'